The following is an entry in ClinVar:

NM_001130144.3(LTBP3):c.2708A>C (p.Asp903Ala)

Gene: LTBP3 (latent transforming growth factor beta binding protein 3; minus strand). Cytogenetic location: 11q13.1.
Variant type: single nucleotide variant.
Coding change: c.2708A>C on transcript NM_001130144.3 (MANE Select); coding-DNA position 2708, A replaced by C.
Protein change: p.Asp903Ala; replaces aspartic acid 903 with alanine.
Molecular consequence: missense variant.
Genome position (GRCh38, 1-based): chr11:65,541,617, T>G on the plus strand (A>C on the coding strand, the complement: LTBP3 is on the minus strand). VCF-style: chr11-65541617-T-G. GRCh37 (hg19) VCF-style: chr11-65309088-T-G.
Other names: c.2357A>C, p.Asp786Ala (NM_001164266.1); c.2708A>C, p.Asp903Ala (NM_021070.4); short protein forms D786A, D903A.
Identifiers: ClinVar variation 1313316 (VCV001313316.2), dbSNP rs1856142574, ClinGen allele CA381268596.

ClinVar aggregate classification (germline): Uncertain significance (1 of 4 stars; one submission).

Submission:

GeneDx
Classification: Uncertain significance. Last evaluated: 2020-02-07. Review status: criteria provided, single submitter. Criteria: GeneDx Variant Classification Process June 2021. Collection method: clinical testing. Allele origin: germline. Affected: yes.
Comment: Not observed in large population cohorts (Lek et al., 2016); In silico analysis supports that this missense variant has a deleterious effect on protein structure/function; Has not been previously published as pathogenic or benign to our knowledge